The following is an entry in ClinVar:

ClinVar aggregate classification (germline): Uncertain significance. Review status: criteria provided, multiple submitters, no conflicts (2 of 4 stars). 2 submissions from 2 submitters: Uncertain significance (2). Last evaluated 2025-11-04.

Conditions:
Hereditary cancer-predisposing syndrome. Also called: Neoplastic Syndromes, Hereditary; Tumor predisposition; Hereditary neoplastic syndrome; Hereditary Cancer Syndrome. Identifiers: Orphanet 140162, MedGen C0027672, MeSH D009386, MONDO:0015356.

Submissions (2):

Ambry Genetics
Classification: Uncertain significance for Hereditary cancer-predisposing syndrome. Last evaluated: 2025-11-04. Review status: criteria provided, single submitter. Criteria: Ambry Variant Classification Scheme 2023. Collection method: clinical testing. Allele origin: germline.
Comment: The p.Y6* variant (also known as c.18T>A), located in coding exon 1 of the HOXB13 gene, results from a T to A substitution at nucleotide position 18. This changes the amino acid from a tyrosine to a stop codon within coding exon 1. This alteration is expected to result in protein truncation or nonsense-mediated mRNA decay. However, loss of function has not been established as a mechanism of disease. Based on the available evidence, the clinical significance of this alteration remains unclear.

Labcorp Genetics (formerly Invitae), Labcorp
Classification: Uncertain significance. Last evaluated: 2021-04-23. Review status: criteria provided, single submitter. Criteria: Invitae Variant Classification Sherloc (09022015). Collection method: clinical testing. Allele origin: germline.
Comment: In summary, the available evidence is currently insufficient to determine the role of this variant in disease. Therefore, it has been classified as a Variant of Uncertain Significance. This variant has not been reported in the literature in individuals with HOXB13-related conditions. This variant is not present in population databases (ExAC no frequency). This sequence change creates a premature translational stop signal (p.Tyr6*) in the HOXB13 gene. It is expected to result in an absent or disrupted protein product. However, the current clinical and genetic evidence is not sufficient to establish whether loss-of-function variants in HOXB13 cause disease.

NM_006361.6(HOXB13):c.18T>A (p.Tyr6Ter)

Gene: HOXB13 (homeobox B13; minus strand). Cytogenetic location: 17q21.32.
Variant type: single nucleotide variant.
Coding change: c.18T>A on transcript NM_006361.6 (MANE Select); coding-DNA position 18, T replaced by A.
Protein change: p.Tyr6Ter; replaces tyrosine 6 with a stop codon.
Molecular consequence: nonsense.
Genome position (GRCh38, 1-based): chr17:48,728,576, A>T on the plus strand (T>A on the coding strand, the complement: HOXB13 is on the minus strand). VCF-style: chr17-48728576-A-T. GRCh37 (hg19) VCF-style: chr17-46805938-A-T.
Other names: c.18T>A (NM_006361.5); short protein forms Y6*.
Identifiers: ClinVar variation 1389192 (VCV001389192.7), dbSNP rs1337454597, ClinGen allele CA400109944.